The following is an entry in ClinVar:

ClinVar aggregate classification (germline): Uncertain significance. Review status: criteria provided, multiple submitters, no conflicts (2 of 4 stars). 3 submissions from 3 submitters: Uncertain significance (3). Last evaluated 2023-10-22.

Conditions:
Long QT syndrome (LQTS). Identifiers: MedGen C0023976, MeSH D008133, MONDO:0002442. Disease mechanism: loss of function. Inheritance: Various modes of inheritance.

Allele frequency attached by ClinVar (database versions not stated): gnomAD 0.00001; TOPMed 0.00001.
gnomAD v4.1: 2 of 1,612,920 alleles (0.00012%); highest among the groups gnomAD compares: Admixed American, 0.0017%; no homozygotes.

Submissions (3):

Labcorp Genetics (formerly Invitae), Labcorp
Classification: Uncertain significance for Long QT syndrome. Last evaluated: 2023-10-22. Review status: criteria provided, single submitter. Criteria: Invitae Variant Classification Sherloc (09022015). Collection method: clinical testing. Allele origin: germline.
Comment: This sequence change replaces lysine, which is basic and polar, with arginine, which is basic and polar, at codon 144 of the CAV3 protein (p.Lys144Arg). This variant is present in population databases (no rsID available, gnomAD 0.1%). This variant has not been reported in the literature in individuals affected with CAV3-related conditions. ClinVar contains an entry for this variant (Variation ID: 409258). An algorithm developed to predict the effect of missense changes on protein structure and function (PolyPhen-2) suggests that this variant is likely to be tolerated. In summary, the available evidence is currently insufficient to determine the role of this variant in disease. Therefore, it has been classified as a Variant of Uncertain Significance.

Revvity Omics, Revvity
Classification: Uncertain significance. Last evaluated: 2019-06-27. Review status: criteria provided, single submitter. Criteria: ACMG Guidelines, 2015. Collection method: clinical testing. Allele origin: germline.

GeneDx
Classification: Uncertain significance. Last evaluated: 2017-08-04. Review status: criteria provided, single submitter. Criteria: GeneDx Variant Classification (06012015). Collection method: clinical testing. Allele origin: germline. Affected: yes.
Comment: A variant of uncertain significance has been identified in the CAV3 gene. The K144R variant has not been published as pathogenic or been reported as benign to our knowledge. This variant is not observed in large population cohorts (Lek et al., 2016; 1000 Genomes Consortium et al., 2015; Exome Variant Server). However, the K144R variant is a conservative amino acid substitution, which is not likely to impact secondary protein structure as these residues share similar properties. This substitution occurs at a position where amino acids with similar properties to lysine (K) are tolerated across species and where arginine (R) is present as the wild type in multiple species. In silico analysis is inconsistent in its predictions as to whether or not the variant is damaging to the protein structure/function.

NM_033337.3(CAV3):c.431A>G (p.Lys144Arg)

Genes: CAV3 (caveolin 3; plus strand), OXTR (oxytocin receptor; minus strand). Cytogenetic location: 3p25.3.
Variant type: single nucleotide variant.
Coding change: c.431A>G on transcript NM_033337.3 (MANE Select); coding-DNA position 431, A replaced by G.
Protein change: p.Lys144Arg; replaces lysine 144 with arginine.
Molecular consequence: missense variant.
Genome position (GRCh38, 1-based): chr3:8,745,842, A>G. VCF-style: chr3-8745842-A-G. GRCh37 (hg19) VCF-style: chr3-8787528-A-G.
Other names: c.431A>G, p.Lys144Arg (NM_001234.5); short protein forms K144R.
Identifiers: ClinVar variation 409258 (VCV000409258.9), dbSNP rs1060502316, ClinGen allele CA16611475.